The following is an entry in ClinVar:

NM_000548.5(TSC2):c.458T>A (p.Ile153Asn)

Gene: TSC2 (TSC complex subunit 2; plus strand). Cytogenetic location: 16p13.3.
Variant type: single nucleotide variant.
Coding change: c.458T>A on transcript NM_000548.5 (MANE Select); coding-DNA position 458, T replaced by A.
Protein change: p.Ile153Asn; replaces isoleucine 153 with asparagine.
Molecular consequence: missense variant. On other transcripts: intron variant (1).
Genome position (GRCh38, 1-based): chr16:2,054,417, T>A. VCF-style: chr16-2054417-T-A. GRCh37 (hg19) VCF-style: chr16-2104418-T-A.
Other names: c.458T>A, p.Ile153Asn (NM_001077183.3, NM_001114382.3, NM_001363528.2 and 8 more transcripts); c.347T>A, p.Ile116Asn (NM_001318827.2, NM_001406670.1, NM_001406678.1); c.311T>A, p.Ile104Asn (NM_001318829.2, NM_001406675.1, NM_001406676.1 and 1 more transcripts); c.491T>A, p.Ile164Asn (NM_001318832.2); c.548T>A, p.Ile183Asn (NM_001406667.1, NM_001406668.1); c.401T>A, p.Ile134Asn (NM_001406677.1); c.-359T>A (NM_001406680.1, NM_001406683.1, NM_001406687.1); c.13T>A, p.Ser5Thr (NM_001406681.1); and 6 more; short protein forms I153N, I183N, I164N, S5T, I104N, I134N, I116N.
Identifiers: ClinVar variation 1741708 (VCV001741708.2), dbSNP rs2151044174, ClinGen allele CA394308468.

ClinVar aggregate classification (germline): Uncertain significance (1 of 4 stars; one submission).

Conditions:
Hereditary cancer-predisposing syndrome. Also called: Hereditary Cancer Syndrome; Hereditary neoplastic syndrome; Neoplastic Syndromes, Hereditary; Tumor predisposition. Identifiers: Orphanet 140162, MedGen C0027672, MeSH D009386, MONDO:0015356.

Submission:

Ambry Genetics
Classification: Uncertain significance for Hereditary cancer-predisposing syndrome. Last evaluated: 2021-08-31. Review status: criteria provided, single submitter. Criteria: Ambry Variant Classification Scheme 2023. Collection method: clinical testing. Allele origin: germline.
Comment: The p.I153N variant (also known as c.458T>A), located in coding exon 4 of the TSC2 gene, results from a T to A substitution at nucleotide position 458. The isoleucine at codon 153 is replaced by asparagine, an amino acid with dissimilar properties. This amino acid position is highly conserved in available vertebrate species. In addition, this alteration is predicted to be deleterious by in silico analysis. Since supporting evidence is limited at this time, the clinical significance of this alteration remains unclear.